The following is an entry in ClinVar:

NM_001170629.2(CHD8):c.3467C>A (p.Ser1156Tyr)

Gene: CHD8 (chromodomain helicase DNA binding protein 8; minus strand). Cytogenetic location: 14q11.2.
Variant type: single nucleotide variant.
Coding change: c.3467C>A on transcript NM_001170629.2 (MANE Select); coding-DNA position 3467, C replaced by A.
Protein change: p.Ser1156Tyr; replaces serine 1156 with tyrosine.
Molecular consequence: missense variant.
Genome position (GRCh38, 1-based): chr14:21,403,504, G>T on the plus strand (C>A on the coding strand, the complement: CHD8 is on the minus strand). VCF-style: chr14-21403504-G-T. GRCh37 (hg19) VCF-style: chr14-21871663-G-T.
Other names: c.2630C>A, p.Ser877Tyr (NM_020920.4); short protein forms S877Y, S1156Y.
Identifiers: ClinVar variation 3662944 (VCV003662944.2).

ClinVar aggregate classification (germline): Pathogenic (1 of 4 stars; one submission).

Submission:

Labcorp Genetics (formerly Invitae), Labcorp
Classification: Pathogenic. Last evaluated: 2024-09-20. Review status: criteria provided, single submitter. Criteria: Invitae Variant Classification Sherloc (09022015). Collection method: clinical testing. Allele origin: germline.
Comment: This sequence change replaces serine, which is neutral and polar, with tyrosine, which is neutral and polar, at codon 1156 of the CHD8 protein (p.Ser1156Tyr). This variant is not present in population databases (gnomAD no frequency). This missense change has been observed in individual(s) with CHD8-related conditions (internal data). In at least one individual the variant was observed to be de novo. Invitae Evidence Modeling of protein sequence and biophysical properties (such as structural, functional, and spatial information, amino acid conservation, physicochemical variation, residue mobility, and thermodynamic stability) indicates that this missense variant is expected to disrupt CHD8 protein function with a positive predictive value of 80%. For these reasons, this variant has been classified as Pathogenic.